The following is an entry in ClinVar:

NM_018124.4(RFWD3):c.1742C>G (p.Ala581Gly)

Gene: RFWD3 (ring finger and WD repeat domain 3; minus strand). Cytogenetic location: 16q23.1.
Variant type: single nucleotide variant.
Coding change: c.1742C>G on transcript NM_018124.4 (MANE Select); coding-DNA position 1742, C replaced by G.
Protein change: p.Ala581Gly; replaces alanine 581 with glycine.
Molecular consequence: missense variant. On other transcripts: intron variant (1).
Genome position (GRCh38, 1-based): chr16:74,630,793, G>C on the plus strand (C>G on the coding strand, the complement: RFWD3 is on the minus strand). VCF-style: chr16-74630793-G-C. GRCh37 (hg19) VCF-style: chr16-74664691-G-C.
Other names: c.1742C>G, p.Ala581Gly (NM_001370534.1, NM_001370535.1); c.908C>G, p.Ala303Gly (NM_001370537.1, NM_001370539.1, NM_001370540.1 and 3 more transcripts); c.1577+1730C>G (NM_001370536.1); short protein forms A581G, A303G.
Identifiers: ClinVar variation 3153441 (VCV003153441.2), dbSNP rs745970908, ClinGen allele CA8169090.

ClinVar aggregate classification (germline): Uncertain significance. Review status: criteria provided, multiple submitters, no conflicts (2 of 4 stars). 2 submissions from 2 submitters: Uncertain significance (2). Last evaluated 2025-07-29.

Allele frequency attached by ClinVar (database versions not stated): gnomAD exomes below 0.00001; ExAC 0.00001.
gnomAD v4.1: 6 of 1,599,854 alleles (0.00038%); highest among the groups gnomAD compares: East Asian, 0.0046%; no homozygotes.

Submissions (2):

Labcorp Genetics (formerly Invitae), Labcorp
Classification: Uncertain significance. Last evaluated: 2025-07-29. Review status: criteria provided, single submitter. Criteria: Invitae Variant Classification Sherloc (09022015). Collection method: clinical testing. Allele origin: germline.
Comment: This sequence change replaces alanine, which is neutral and non-polar, with glycine, which is neutral and non-polar, at codon 581 of the RFWD3 protein (p.Ala581Gly). This variant is present in population databases (rs745970908, gnomAD no frequency). This variant has not been reported in the literature in individuals affected with RFWD3-related conditions. ClinVar contains an entry for this variant (Variation ID: 3153441). An algorithm developed to predict the effect of missense changes on protein structure and function (PolyPhen-2) suggests that this variant is likely to be tolerated. In summary, the available evidence is currently insufficient to determine the role of this variant in disease. Therefore, it has been classified as a Variant of Uncertain Significance.

Ambry Genetics
Classification: Uncertain significance. Last evaluated: 2024-01-24. Review status: criteria provided, single submitter. Criteria: Ambry Variant Classification Scheme 2023. Collection method: clinical testing. Allele origin: germline.